The following is an entry in ClinVar:

NM_000088.4(COL1A1):c.2717dup (p.Lys907fs)

Gene: COL1A1 (collagen type I alpha 1 chain; minus strand). Cytogenetic location: 17q21.33.
Variant type: Duplication.
Coding change: c.2717dup on transcript NM_000088.4 (MANE Select); coding-DNA position 2717, one base duplicated (G; older notation c.2717dupG).
Protein change: p.Lys907fs; shifts the reading frame from lysine 907.
Molecular consequence: frameshift variant.
Genome position (GRCh38, 1-based): chr17:50,189,489, C duplicated on the plus strand (G on the coding strand, the reverse complement: COL1A1 is on the minus strand); the first of 2 consecutive C bases (chr17:50,189,489-50,189,490); duplicating either gives the same sequence. VCF-style (leftmost placement, unchanged base first): chr17-50189488-G-GC. GRCh37 (hg19) VCF-style: chr17-48266849-G-GC.
Other names: short protein forms K907fs.
Identifiers: ClinVar variation 640862 (VCV000640862.7), dbSNP rs1598289365, ClinGen allele CA915950605.
Genomic context (GRCh38, chr17:50,189,488, plus strand): 5'-ACCAGGGGGACCAACTTCACCAGGACGTCCAGCAGGGCCAGTCTCACCACGGGGACCTTT[G>GC]CCGCCTTCTTTGCCAGCAGGACCAGGAGGGCCAGGGGGTCCAGCATTTCCCTGGATGAGG-3'

ClinVar aggregate classification (germline): Pathogenic (1 of 4 stars; one submission).

Conditions:
Osteogenesis imperfecta type I (OI1). Also called: OI, TYPE I; OSTEOGENESIS IMPERFECTA TARDA; OSTEOGENESIS IMPERFECTA WITH BLUE SCLERAE; Classic Non-deforming Osteogenesis Imperfecta with Blue Sclerae; Osteogenesis imperfecta type 1; Lobstein disease. Identifiers: Orphanet 216796, Orphanet 666, MedGen C0023931, MONDO:0008146, OMIM 166200. Disease mechanism: loss of function.

Submission:

Labcorp Genetics (formerly Invitae), Labcorp
Classification: Pathogenic for Osteogenesis imperfecta type I. Last evaluated: 2019-01-02. Review status: criteria provided, single submitter. Criteria: Invitae Variant Classification Sherloc (09022015). Collection method: clinical testing. Allele origin: germline.
Comment: This sequence change creates a premature translational stop signal (p.Lys907Glnfs*6) in the COL1A1 gene. It is expected to result in an absent or disrupted protein product. This variant is not present in population databases (ExAC no frequency). This variant has not been reported in the literature in individuals with COL1A1-related disease. Loss-of-function variants in COL1A1 are known to be pathogenic (PMID: 7942841, 9295084, 9443882). For these reasons, this variant has been classified as Pathogenic.

Literature cited by the submitters: PubMed 7942841; PubMed 9295084; PubMed 9443882.